The following is an entry in ClinVar:

ClinVar aggregate classification (germline): Uncertain significance (1 of 4 stars; one submission).

Conditions:
Tuberous sclerosis 1 (TSC1). Identifiers: Orphanet 805, MedGen C1854465, MONDO:0008612, OMIM 191100.

Submission:

Labcorp Genetics (formerly Invitae), Labcorp
Classification: Uncertain significance for Tuberous sclerosis 1. Last evaluated: 2022-07-09. Review status: criteria provided, single submitter. Criteria: Invitae Variant Classification Sherloc (09022015). Collection method: clinical testing. Allele origin: germline.
Comment: This sequence change replaces glutamine, which is neutral and polar, with arginine, which is basic and polar, at codon 654 of the TSC1 protein (p.Gln654Arg). This variant is not present in population databases (gnomAD no frequency). This variant has not been reported in the literature in individuals affected with TSC1-related conditions. Algorithms developed to predict the effect of missense changes on protein structure and function are either unavailable or do not agree on the potential impact of this missense change (SIFT: "Tolerated"; PolyPhen-2: "Possibly Damaging"; Align-GVGD: "Class C0"). In summary, the available evidence is currently insufficient to determine the role of this variant in disease. Therefore, it has been classified as a Variant of Uncertain Significance.

NM_000368.5(TSC1):c.1961A>G (p.Gln654Arg)

Gene: TSC1 (TSC complex subunit 1; minus strand). Cytogenetic location: 9q34.13.
Variant type: single nucleotide variant.
Coding change: c.1961A>G on transcript NM_000368.5 (MANE Select); coding-DNA position 1961, A replaced by G.
Protein change: p.Gln654Arg; replaces glutamine 654 with arginine.
Molecular consequence: missense variant.
Genome position (GRCh38, 1-based): chr9:132,905,617, T>C on the plus strand (A>G on the coding strand, the complement: TSC1 is on the minus strand). VCF-style: chr9-132905617-T-C. GRCh37 (hg19) VCF-style: chr9-135781004-T-C.
Other names: c.1958A>G, p.Gln653Arg (NM_001162426.2, NM_001406597.1, NM_001406598.1 and 6 more transcripts); c.1808A>G, p.Gln603Arg (NM_001162427.2, NM_001406610.1); c.1598A>G, p.Gln533Arg (NM_001362177.2, NM_001406614.1, NM_001406615.1 and 5 more transcripts); c.1961A>G, p.Gln654Arg (NM_001406592.1, NM_001406593.1, NM_001406594.1 and 7 more transcripts); c.1805A>G, p.Gln602Arg (NM_001406611.1, NM_001406612.1, NM_001406613.1); c.1007A>G, p.Gln336Arg (NM_001406628.1, NM_001406627.1); c.908A>G, p.Gln303Arg (NM_001406629.1, NM_001406630.1); c.1595A>G, p.Gln532Arg (NM_001406620.1, NM_001406621.1, NM_001406622.1 and 2 more transcripts); and 1 more; short protein forms Q303R, Q336R, Q533R, Q603R, Q653R, Q337R, Q532R, Q602R.
Identifiers: ClinVar variation 2134399 (VCV002134399.4), dbSNP rs1246161639, ClinGen allele CA375362387.
Genomic context (GRCh38, chr9:132,905,617, plus strand): 5'-GAAGAGAGTGCCCCAGTCCCTTACTTGTTCAGCTCCTTGCTGTGCGCGTCTGCTCCCTGC[T>C]GTATCAGTCTGTCCAGCACTTCCATTGGGGAGGTAGAGGGCACACCATCTTCCTCTGTGT-3'
Protein context (NP_000359.1, residues 644-664): SPMEVLDRLI[Gln654Arg]QGADAHSKEL